The following is an entry in ClinVar:

ClinVar aggregate classification (germline): Uncertain significance (1 of 4 stars; one submission).

gnomAD v4.1: 15 of 1,614,144 alleles (0.00093%); highest among the groups gnomAD compares: Non-Finnish European, 0.0013%; no homozygotes.

Submission:

Labcorp Genetics (formerly Invitae), Labcorp
Classification: Uncertain significance. Last evaluated: 2024-07-01. Review status: criteria provided, single submitter. Criteria: Invitae Variant Classification Sherloc (09022015). Collection method: clinical testing. Allele origin: germline.
Comment: This sequence change affects codon 1153 of the FOCAD mRNA. It is a 'silent' change, meaning that it does not change the encoded amino acid sequence of the FOCAD protein. This variant is present in population databases (rs773170288, gnomAD 0.004%). This variant has not been reported in the literature in individuals affected with FOCAD-related conditions. Experimental studies and prediction algorithms are not available or were not evaluated, and the effect of this variant on mRNA splicing is currently unknown. In summary, the available evidence is currently insufficient to determine the role of this variant in disease. Therefore, it has been classified as a Variant of Uncertain Significance.

NM_001375567.1(FOCAD):c.3459C>T (p.Ser1153=)

Gene: FOCAD (focadhesin; plus strand). Cytogenetic location: 9p21.3.
Variant type: single nucleotide variant.
Coding change: c.3459C>T on transcript NM_001375567.1 (MANE Select); coding-DNA position 3459, C replaced by T.
Protein change: p.Ser1153=; no amino-acid change (serine 1153 retained).
Molecular consequence: synonymous variant.
Genome position (GRCh38, 1-based): chr9:20,944,678, C>T. VCF-style: chr9-20944678-C-T. GRCh37 (hg19) VCF-style: chr9-20944677-C-T.
Other names: c.3354C>T, p.Ser1118= (NM_001375568.1, NM_001375570.1); c.3459C>T, p.Ser1153= (NM_017794.5).
Identifiers: ClinVar variation 3713977 (VCV003713977.2).
Genomic context (GRCh38, chr9:20,944,678, plus strand): 5'-GCTTCCAAGCACGGGCTGTATATTGGGAGTTGGACTTGTTCTGTCCCTCATGAGCCACAG[C>T]AGCCAAATGCAGTCCCGCGTTCACGTAGCAGCATTGCTCCGGAAGCTGTCTGCGCACGTA-3'
Protein context (NP_001362496.1, residues 1143-1163): VGLVLSLMSH[Ser1153=]SQMQSRVHVA